The following is an entry in ClinVar:

ClinVar aggregate classification (germline): Conflicting classifications of pathogenicity. Review status: criteria provided, conflicting classifications (1 of 4 stars). 2 submissions from 2 submitters: Uncertain significance (1); Benign (1). Last evaluated 2026-01-28.

Conditions:
Primary ciliary dyskinesia. Also called: Ciliary dyskinesia. Identifiers: Orphanet 244, MedGen C0008780, MONDO:0016575, HP:0012265.

Allele frequency attached by ClinVar (database versions not stated): gnomAD exomes 0.00007 and 0.00008; gnomAD 0.00008 and 0.00009; TOPMed 0.00008; ExAC 0.00018; ESP Exome Variant Server 0.00025.
gnomAD v4.1: 121 of 1,605,528 alleles (0.0075%); highest among the groups gnomAD compares: Non-Finnish European, 0.0089%; no homozygotes.

Submissions (2):

Labcorp Genetics (formerly Invitae), Labcorp
Classification: Benign for Primary ciliary dyskinesia. Last evaluated: 2026-01-28. Review status: criteria provided, single submitter. Criteria: Invitae Variant Classification Sherloc (09022015). Collection method: clinical testing. Allele origin: germline.

GeneDx
Classification: Uncertain significance. Last evaluated: 2023-01-27. Review status: criteria provided, single submitter. Criteria: GeneDx Variant Classification Process June 2021. Collection method: clinical testing. Allele origin: germline. Affected: yes.
Comment: Identified in two siblings with congenital heart disease who also harbor a variant in the TBX5 gene; parental testing was not performed (Izarzugaza et al., 2020); In silico analysis supports that this missense variant does not alter protein structure/function; This variant is associated with the following publications: (PMID: 32859249)

NM_001277115.2(DNAH11):c.932A>G (p.Gln311Arg)

Gene: DNAH11 (dynein axonemal heavy chain 11; plus strand). Cytogenetic location: 7p15.3.
Variant type: single nucleotide variant.
Coding change: c.932A>G on transcript NM_001277115.2 (MANE Select); coding-DNA position 932, A replaced by G.
Protein change: p.Gln311Arg; replaces glutamine 311 with arginine.
Molecular consequence: missense variant.
Genome position (GRCh38, 1-based): chr7:21,561,120, A>G. VCF-style: chr7-21561120-A-G. GRCh37 (hg19) VCF-style: chr7-21600738-A-G.
Other names: short protein forms Q311R.
Identifiers: ClinVar variation 937481 (VCV000937481.11), dbSNP rs199579217, ClinGen allele CA4178826.